The following is an entry in ClinVar:

NM_000092.5(COL4A4):c.770C>A (p.Thr257Asn)

Gene: COL4A4 (collagen type IV alpha 4 chain; minus strand). Cytogenetic location: 2q36.3.
Variant type: single nucleotide variant.
Coding change: c.770C>A on transcript NM_000092.5 (MANE Select); coding-DNA position 770, C replaced by A.
Protein change: p.Thr257Asn; replaces threonine 257 with asparagine.
Molecular consequence: missense variant.
Genome position (GRCh38, 1-based): chr2:227,104,018, G>T on the plus strand (C>A on the coding strand, the complement: COL4A4 is on the minus strand). VCF-style: chr2-227104018-G-T. GRCh37 (hg19) VCF-style: chr2-227968734-G-T.
Other names: short protein forms T257N.
Identifiers: ClinVar variation 3634125 (VCV003634125.2).

ClinVar aggregate classification (germline): Uncertain significance (1 of 4 stars; one submission).

gnomAD v4.1: 1 of 1,613,328 alleles (0.000062%); no homozygotes.

Submission:

Labcorp Genetics (formerly Invitae), Labcorp
Classification: Uncertain significance. Last evaluated: 2024-05-23. Review status: criteria provided, single submitter. Criteria: Invitae Variant Classification Sherloc (09022015). Collection method: clinical testing. Allele origin: germline.
Comment: This sequence change replaces threonine, which is neutral and polar, with asparagine, which is neutral and polar, at codon 257 of the COL4A4 protein (p.Thr257Asn). This variant is not present in population databases (gnomAD no frequency). This variant has not been reported in the literature in individuals affected with COL4A4-related conditions. Advanced modeling of protein sequence and biophysical properties (such as structural, functional, and spatial information, amino acid conservation, physicochemical variation, residue mobility, and thermodynamic stability) performed at Invitae indicates that this missense variant is not expected to disrupt COL4A4 protein function with a negative predictive value of 95%. In summary, the available evidence is currently insufficient to determine the role of this variant in disease. Therefore, it has been classified as a Variant of Uncertain Significance.